The following is an entry in ClinVar:

NM_000260.4(MYO7A):c.5339A>C (p.Tyr1780Ser)

Gene: MYO7A (myosin VIIA; plus strand). Cytogenetic location: 11q13.5.
Variant type: single nucleotide variant.
Coding change: c.5339A>C on transcript NM_000260.4 (MANE Select); coding-DNA position 5339, A replaced by C.
Protein change: p.Tyr1780Ser; replaces tyrosine 1780 with serine.
Molecular consequence: missense variant.
Genome position (GRCh38, 1-based): chr11:77,204,088, A>C. VCF-style: chr11-77204088-A-C. GRCh37 (hg19) VCF-style: chr11-76915133-A-C.
Other names: c.5225A>C, p.Tyr1742Ser (NM_001127180.2); c.5192A>C, p.Tyr1731Ser (NM_001369365.1); short protein forms Y1780S, Y1731S, Y1742S.
Identifiers: ClinVar variation 521209 (VCV000521209.5), dbSNP rs1555104196, ClinGen allele CA381952518.

ClinVar aggregate classification (germline): Conflicting classifications of pathogenicity. Review status: criteria provided, conflicting classifications (1 of 4 stars). 2 submissions from 2 submitters: Likely pathogenic (1); Uncertain significance (1). Last evaluated 2026-05-21.

Conditions:
Inborn genetic diseases. Identifiers: MedGen C0950123, MeSH D030342.
Usher syndrome type 1 (USH1). Also called: RETINITIS PIGMENTOSA AND CONGENITAL DEAFNESS. Identifiers: Orphanet 231169, Orphanet 886, MedGen C1568247, MONDO:0010168, OMIM 276900.

Submissions (2):

Myriad Genetics, Inc.
Classification: Likely pathogenic for Usher syndrome type 1. Last evaluated: 2026-05-21. Review status: criteria provided, single submitter. Criteria: Myriad Autosomal Dominant, Autosomal Recessive and X-Linked Classification Criteria (2023). Collection method: clinical testing. Allele origin: unknown.
Comment: NM_000260.3(MYO7A):c.5339A>C(Y1780S) is a missense variant classified as likely pathogenic in the context of MYO7A-related disorders. Y1780S has been observed in cases with relevant disease (PMID: 33671976, 38374194). Relevant functional assessments of this variant are not available in the literature. Y1780S has not been observed in referenced population frequency databases. In summary, NM_000260.3(MYO7A):c.5339A>C(Y1780S) is a missense variant that has been observed more frequently in cases with the relevant disease than in healthy populations. Please note: this variant was assessed in the context of healthy population screening.

Ambry Genetics
Classification: Uncertain significance for Inborn genetic diseases. Last evaluated: 2017-02-10. Review status: criteria provided, single submitter. Criteria: Ambry exome assertion method (8-5-2015). Collection method: clinical testing. Allele origin: germline. Affected: yes. Observed: 1 variant allele.

Literature cited by the submitters: PubMed 33671976 (cited by Myriad Genetics, Inc.); PubMed 38374194 (cited by Myriad Genetics, Inc.).